The following is an entry in ClinVar:

NM_001267550.2(TTN):c.80904C>T (p.Ile26968=)

Genes: TTN (titin; minus strand), TTN-AS1 (TTN antisense RNA 1; plus strand). Cytogenetic location: 2q31.2.
Variant type: single nucleotide variant.
Coding change: c.80904C>T on transcript NM_001267550.2 (MANE Select); coding-DNA position 80904, C replaced by T.
Protein change: p.Ile26968=; no amino-acid change (isoleucine 26968 retained).
Molecular consequence: synonymous variant.
Genome position (GRCh38, 1-based): chr2:178,565,228, G>A on the plus strand (C>T on the coding strand, the complement: TTN is on the minus strand). VCF-style: chr2-178565228-G-A. GRCh37 (hg19) VCF-style: chr2-179429955-G-A.
Other names: c.75981C>T, p.Ile25327= (NM_001256850.1); c.53709C>T, p.Ile17903= (NM_003319.4); c.73200C>T, p.Ile24400= (NM_133378.4); c.54084C>T, p.Ile18028= (NM_133432.3); c.54285C>T, p.Ile18095= (NM_133437.4).
Identifiers: ClinVar variation 332764 (VCV000332764.16), dbSNP rs539234338, ClinGen allele CA1989281.

ClinVar aggregate classification (germline): Conflicting classifications of pathogenicity. Review status: criteria provided, conflicting classifications (1 of 4 stars). 8 submissions from 4 submitters: Uncertain significance (3); Benign (2); Likely benign (3). Last evaluated 2026-01-18.

Conditions:
Autosomal recessive limb-girdle muscular dystrophy type 2J (LGMDR10). Also called: Limb-girdle muscular dystrophy, type 2J; MUSCULAR DYSTROPHY, LIMB-GIRDLE, AUTOSOMAL RECESSIVE 10. Identifiers: Orphanet 140922, MedGen C1837342, MONDO:0012127, OMIM 608807.
Cardiovascular phenotype. Identifiers: MedGen CN230736.
Myopathy, myofibrillar, 9, with early respiratory failure (MFM9). Also called: Hereditary myopathy with early respiratory failure; Myopathy, distal, with early respiratory failure, autosomal dominant; EDSTROM MYOPATHY; MYOPATHY, PROXIMAL, WITH EARLY RESPIRATORY MUSCLE INVOLVEMENT. Identifiers: Orphanet 178464, Orphanet 34521, MedGen C1863599, MONDO:0011362, OMIM 603689.
Dilated cardiomyopathy 1G (CMD1G). Identifiers: Orphanet 154, MedGen C1858763, MONDO:0011400, OMIM 604145.
Early-onset myopathy with fatal cardiomyopathy (CMYO5). Also called: Salih Myopathy; CONGENITAL MYOPATHY 5 WITH CARDIOMYOPATHY. Identifiers: Orphanet 289377, MedGen C2673677, MONDO:0012714, OMIM 611705. Disease mechanism: loss of function.
Tibial muscular dystrophy (TMD). Also called: Tibial muscular dystrophy, tardive; UDD MYOPATHY; Udd Distal Myopathy – Tibial Muscular Dystrophy. Identifiers: Orphanet 609, MedGen C1838244, MONDO:0010870, OMIM 600334.

Allele frequency attached by ClinVar (database versions not stated): gnomAD 0.00001 and 0.00002; gnomAD exomes 0.00001 and 0.00002; ExAC 0.00002; TOPMed 0.00002; 1000 Genomes Project 0.00040; 1000 Genomes Project 30x 0.00047.
gnomAD v4.1: 13 of 1,613,540 alleles (0.00081%); highest among the groups gnomAD compares: Admixed American, 0.013%; no homozygotes.

Submissions (8):

Labcorp Genetics (formerly Invitae), Labcorp
Classification: Likely benign for Dilated cardiomyopathy 1G; Autosomal recessive limb-girdle muscular dystrophy type 2J. Last evaluated: 2026-01-18. Review status: criteria provided, single submitter. Criteria: Invitae Variant Classification Sherloc (09022015). Collection method: clinical testing. Allele origin: germline.

Blueprint Genetics
Classification: Likely benign. Last evaluated: 2022-12-28. Review status: criteria provided, single submitter. Criteria: ACMG Guidelines, 2015. Collection method: clinical testing. Allele origin: germline.

Ambry Genetics
Classification: Likely benign for Cardiovascular phenotype. Last evaluated: 2022-03-06. Review status: criteria provided, single submitter. Criteria: Ambry Variant Classification Scheme 2023. Collection method: clinical testing. Allele origin: germline.

Illumina Laboratory Services, Illumina
Classification: Uncertain significance for Dilated cardiomyopathy 1G. Last evaluated: 2018-01-12. Review status: criteria provided, single submitter. Criteria: ICSL Variant Classification Criteria 13 December 2019. Collection method: clinical testing. Allele origin: germline.

Illumina Laboratory Services, Illumina
Classification: Uncertain significance for Autosomal recessive limb-girdle muscular dystrophy type 2J. Last evaluated: 2018-01-12. Review status: criteria provided, single submitter. Criteria: ICSL Variant Classification Criteria 13 December 2019. Collection method: clinical testing. Allele origin: germline.

Illumina Laboratory Services, Illumina
Classification: Benign for Tibial muscular dystrophy. Last evaluated: 2018-01-12. Review status: criteria provided, single submitter. Criteria: ICSL Variant Classification Criteria 13 December 2019. Collection method: clinical testing. Allele origin: germline.
Comment: This variant was observed in the ICSL laboratory as part of a predisposition screen in an ostensibly healthy population. It had not been previously curated by ICSL or reported in the Human Gene Mutation Database (HGMD: prior to June 1st, 2018), and was therefore a candidate for classification through an automated scoring system. Utilizing variant allele frequency, disease prevalence and penetrance estimates, and inheritance mode, an automated score was calculated to assess if this variant is too frequent to cause the disease. Based on the score and internal cut-off values, a variant classified as benign is not then subjected to further curation. The score for this variant resulted in a classification of benign for this disease.

Illumina Laboratory Services, Illumina
Classification: Benign for Myopathy, myofibrillar, 9, with early respiratory failure. Last evaluated: 2018-01-12. Review status: criteria provided, single submitter. Criteria: ICSL Variant Classification Criteria 13 December 2019. Collection method: clinical testing. Allele origin: germline.
Comment: the same text as in the submission from Illumina Laboratory Services, Illumina above.

Illumina Laboratory Services, Illumina
Classification: Uncertain significance for Early-onset myopathy with fatal cardiomyopathy. Last evaluated: 2018-01-12. Review status: criteria provided, single submitter. Criteria: ICSL Variant Classification Criteria 13 December 2019. Collection method: clinical testing. Allele origin: germline.